The following is an entry in ClinVar:

ClinVar aggregate classification (germline): Uncertain significance (1 of 4 stars; one submission).

Conditions:
Hereditary sensory and autonomic neuropathy type 6. Also called: HSAN VI; Neuropathy, hereditary sensory and autonomic, type VI. Identifiers: Orphanet 314381, MedGen C3539003, MONDO:0013839, OMIM 614653.
Epidermolysis bullosa simplex 3, localized or generalized intermediate, with BP230 deficiency (EBS3). Also called: Epidermolysis bullosa simplex, autosomal recessive 2; Epidermolysis bullosa simplex due to BP230 deficiency. Identifiers: Orphanet 412181, MedGen C3809470, MONDO:0014180, OMIM 615425.

Allele frequency attached by ClinVar (database versions not stated): gnomAD exomes below 0.00001.
gnomAD v4.1: 1 of 1,613,042 alleles (0.000062%); highest among the groups gnomAD compares: Admixed American, 0.0017%; no homozygotes.

Submission:

Labcorp Genetics (formerly Invitae), Labcorp
Classification: Uncertain significance for Epidermolysis bullosa simplex 3, localized or generalized intermediate, with BP230 deficiency; Hereditary sensory and autonomic neuropathy type 6. Last evaluated: 2019-12-05. Review status: criteria provided, single submitter. Criteria: Invitae Variant Classification Sherloc (09022015). Collection method: clinical testing. Allele origin: germline.
Comment: In summary, the available evidence is currently insufficient to determine the role of this variant in disease. Therefore, it has been classified as a Variant of Uncertain Significance. Algorithms developed to predict the effect of missense changes on protein structure and function (SIFT, PolyPhen-2, Align-GVGD) all suggest that this variant is likely to be tolerated, but these predictions have not been confirmed by published functional studies and their clinical significance is uncertain. This variant has not been reported in the literature in individuals with DST-related conditions. This variant is not present in population databases (ExAC no frequency). This sequence change replaces alanine with glycine at codon 1569 of the DST protein (p.Ala1569Gly). The alanine residue is weakly conserved and there is a small physicochemical difference between alanine and glycine.

NM_001723.7(DST):c.4706C>G (p.Ala1569Gly)

Gene: DST (dystonin; minus strand). Cytogenetic location: 6p12.1.
Variant type: single nucleotide variant.
Coding change: c.4706C>G on transcript NM_001723.7 (MANE Plus Clinical); coding-DNA position 4706, C replaced by G.
Protein change: p.Ala1569Gly; replaces alanine 1569 with glycine.
Molecular consequence: missense variant. On other transcripts: intron variant (10).
Genome position (GRCh38, 1-based): chr6:56,619,328, G>C on the plus strand (C>G on the coding strand, the complement: DST is on the minus strand). VCF-style: chr6-56619328-G-C. GRCh37 (hg19) VCF-style: chr6-56484126-G-C.
Other names: c.4831-4844C>G (NM_001144769.5); c.4930-4844C>G (NM_001374722.1, NM_001374736.1); c.4957-4844C>G (NM_001374734.1); c.4417-4844C>G (NM_001144770.2); c.4297-4844C>G (NM_001374730.1, NM_001386100.1, NM_183380.4 and 1 more transcripts); c.3319-4844C>G (NM_015548.5); short protein forms A1569G.
Identifiers: ClinVar variation 850303 (VCV000850303.10), dbSNP rs2098663472, ClinGen allele CA364569055.